The following is an entry in ClinVar:

ClinVar aggregate classification (germline): Pathogenic (1 of 4 stars; one submission).

Submission:

Labcorp Genetics (formerly Invitae), Labcorp
Classification: Pathogenic. Last evaluated: 2020-12-04. Review status: criteria provided, single submitter. Criteria: Invitae Variant Classification Sherloc (09022015). Collection method: clinical testing. Allele origin: germline.
Comment: For these reasons, this variant has been classified as Pathogenic. This variant has not been reported in the literature in individuals with EYS-related conditions. This variant is not present in population databases (ExAC no frequency). This sequence change creates a premature translational stop signal (p.Glu176*) in the EYS gene. It is expected to result in an absent or disrupted protein product. Loss-of-function variants in EYS are known to be pathogenic (PMID: 18836446, 20333770).

Literature cited by the submitters: PubMed 18836446; PubMed 20333770.

NM_001142800.2(EYS):c.526G>T (p.Glu176Ter)

Gene: EYS (EGF-like photoreceptor maintenance factor; minus strand). Cytogenetic location: 6q12.
Variant type: single nucleotide variant.
Coding change: c.526G>T on transcript NM_001142800.2 (MANE Select); coding-DNA position 526, G replaced by T.
Protein change: p.Glu176Ter; replaces glutamic acid 176 with a stop codon.
Molecular consequence: nonsense.
Genome position (GRCh38, 1-based): chr6:65,494,885, C>A on the plus strand (G>T on the coding strand, the complement: EYS is on the minus strand). VCF-style: chr6-65494885-C-A. GRCh37 (hg19) VCF-style: chr6-66204778-C-A.
Other names: c.526G>T, p.Glu176Ter (NM_001142801.2, NM_001292009.2, NM_198283.2); short protein forms E176*.
Identifiers: ClinVar variation 1452389 (VCV001452389.6), dbSNP rs2127271139, ClinGen allele CA364789723.